The following is an entry in ClinVar:

NM_015425.6(POLR1A):c.4681C>T (p.Arg1561Trp)

Gene: POLR1A (RNA polymerase I subunit A; minus strand). Cytogenetic location: 2p11.2.
Variant type: single nucleotide variant.
Coding change: c.4681C>T on transcript NM_015425.6 (MANE Select); coding-DNA position 4681, C replaced by T.
Protein change: p.Arg1561Trp; replaces arginine 1561 with tryptophan.
Molecular consequence: missense variant.
Genome position (GRCh38, 1-based): chr2:86,030,294, G>A on the plus strand (C>T on the coding strand, the complement: POLR1A is on the minus strand). VCF-style: chr2-86030294-G-A. GRCh37 (hg19) VCF-style: chr2-86257417-G-A.
Other names: c.4681C>T (NM_015425.3); short protein forms R1561W.
Identifiers: ClinVar variation 1472422 (VCV001472422.9), dbSNP rs185258869, ClinGen allele CA1745427.

ClinVar aggregate classification (germline): Uncertain significance. Review status: criteria provided, multiple submitters, no conflicts (2 of 4 stars). 2 submissions from 2 submitters: Uncertain significance (2). Last evaluated 2025-11-08.

Conditions:
Inborn genetic diseases. Identifiers: MedGen C0950123, MeSH D030342.

Allele frequency attached by ClinVar (database versions not stated): ExAC 0.00002; gnomAD exomes 0.00004; TOPMed 0.00005; gnomAD 0.00006 and 0.00007; ESP Exome Variant Server 0.00008; 1000 Genomes Project 0.00020; 1000 Genomes Project 30x 0.00031.
gnomAD v4.1: 54 of 1,613,902 alleles (0.0033%); highest among the groups gnomAD compares: Non-Finnish European, 0.0041%; no homozygotes.

Submissions (2):

Ambry Genetics
Classification: Uncertain significance for Inborn genetic diseases. Last evaluated: 2025-11-08. Review status: criteria provided, single submitter. Criteria: Ambry Variant Classification Scheme 2023. Collection method: clinical testing. Allele origin: germline.

Labcorp Genetics (formerly Invitae), Labcorp
Classification: Uncertain significance. Last evaluated: 2025-08-14. Review status: criteria provided, single submitter. Criteria: Invitae Variant Classification Sherloc (09022015). Collection method: clinical testing. Allele origin: germline.
Comment: This sequence change replaces arginine, which is basic and polar, with tryptophan, which is neutral and slightly polar, at codon 1561 of the POLR1A protein (p.Arg1561Trp). This variant is present in population databases (rs185258869, gnomAD 0.01%). This variant has not been reported in the literature in individuals affected with POLR1A-related conditions. ClinVar contains an entry for this variant (Variation ID: 1472422). Invitae Evidence Modeling of protein sequence and biophysical properties (such as structural, functional, and spatial information, amino acid conservation, physicochemical variation, residue mobility, and thermodynamic stability) indicates that this missense variant is expected to disrupt POLR1A protein function with a positive predictive value of 80%. In summary, the available evidence is currently insufficient to determine the role of this variant in disease. Therefore, it has been classified as a Variant of Uncertain Significance.